The following is an entry in ClinVar:

NM_000718.4(CACNA1B):c.3275C>T (p.Thr1092Met)

Gene: CACNA1B (calcium voltage-gated channel subunit alpha1 B; plus strand). Cytogenetic location: 9q34.3.
Variant type: single nucleotide variant.
Coding change: c.3275C>T on transcript NM_000718.4 (MANE Select); coding-DNA position 3275, C replaced by T.
Protein change: p.Thr1092Met; replaces threonine 1092 with methionine.
Molecular consequence: missense variant.
Genome position (GRCh38, 1-based): chr9:138,025,161, C>T. VCF-style: chr9-138025161-C-T. GRCh37 (hg19) VCF-style: chr9-140919613-C-T.
Other names: c.3275C>T, p.Thr1092Met (NM_001243812.2); short protein forms T1092M.
Identifiers: ClinVar variation 3902028 (VCV003902028.1).

ClinVar aggregate classification (germline): Uncertain significance (1 of 4 stars; one submission).

Conditions:
Neurodevelopmental disorder with seizures and nonepileptic hyperkinetic movements. Identifiers: MedGen C5193128, MONDO:0032784, OMIM 618497.

gnomAD v4.1: 12 of 1,607,530 alleles (0.00075%); highest among the groups gnomAD compares: South Asian, 0.0056%; no homozygotes.

Submission:

Laboratorio de Genetica e Diagnostico Molecular, Hospital Israelita Albert Einstein
Classification: Uncertain significance for Neurodevelopmental disorder with seizures and nonepileptic hyperkinetic movements. Last evaluated: 2025-01-31. Review status: criteria provided, single submitter. Criteria: ACMG Guidelines, 2015. Collection method: clinical testing. Allele origin: germline. Affected: yes.
Comment: ACMG classification criteria: PM2 supporting, BP4 supporting